The following is an entry in ClinVar:

NM_017780.4(CHD7):c.7555G>A (p.Val2519Met)

Gene: CHD7 (chromodomain helicase DNA binding protein 7; plus strand). Cytogenetic location: 8q12.2.
Variant type: single nucleotide variant.
Coding change: c.7555G>A on transcript NM_017780.4 (MANE Select); coding-DNA position 7555, G replaced by A.
Protein change: p.Val2519Met; replaces valine 2519 with methionine.
Molecular consequence: missense variant. On other transcripts: intron variant (1).
Genome position (GRCh38, 1-based): chr8:60,856,835, G>A. VCF-style: chr8-60856835-G-A. GRCh37 (hg19) VCF-style: chr8-61769394-G-A.
Other names: c.1717-5394G>A (NM_001316690.1); short protein forms V2519M.
Identifiers: ClinVar variation 4748645 (VCV004748645.2).

ClinVar aggregate classification (germline): Uncertain significance. Review status: criteria provided, multiple submitters, no conflicts (2 of 4 stars). 2 submissions from 2 submitters: Uncertain significance (2). Last evaluated 2025-06-22.

Conditions:
CHARGE syndrome (CHARGE). Also called: Hittner Hirsch Kreh syndrome; CHARGE ASSOCIATION--COLOBOMA, HEART ANOMALY, CHOANAL ATRESIA, RETARDATION, GENITAL AND EAR ANOMALIES; Coloboma, heart anomaly, choanal atresia, retardation, genital and ear anomalies; CHARGE association; Hall-Hittner syndrome. Identifiers: Orphanet 138, MedGen C0265354, MONDO:0008965.

gnomAD v4.1: 1 of 1,592,564 alleles (0.000063%); highest among the groups gnomAD compares: East Asian, 0.0022%; no homozygotes.

Submissions (2):

Labcorp Genetics (formerly Invitae), Labcorp
Classification: Uncertain significance for CHARGE syndrome. Last evaluated: 2025-06-22. Review status: criteria provided, single submitter. Criteria: Invitae Variant Classification Sherloc (09022015). Collection method: clinical testing. Allele origin: germline.
Comment: This sequence change replaces valine, which is neutral and non-polar, with methionine, which is neutral and non-polar, at codon 2519 of the CHD7 protein (p.Val2519Met). This variant is not present in population databases (gnomAD no frequency). This variant has not been reported in the literature in individuals affected with CHD7-related conditions. Invitae Evidence Modeling of protein sequence and biophysical properties (such as structural, functional, and spatial information, amino acid conservation, physicochemical variation, residue mobility, and thermodynamic stability) has been performed for this missense variant. However, the output from this modeling did not meet the statistical confidence thresholds required to predict the impact of this variant on CHD7 protein function. In summary, the available evidence is currently insufficient to determine the role of this variant in disease. Therefore, it has been classified as a Variant of Uncertain Significance.

Blueprint Genetics
Classification: Uncertain significance. Last evaluated: 2022-07-28. Review status: criteria provided, single submitter. Criteria: ACMG Guidelines, 2015. Collection method: clinical testing. Allele origin: germline.